The following is an entry in ClinVar:

NM_014679.5(CEP57):c.4G>A (p.Ala2Thr)

Genes: CEP57 (centrosomal protein 57; plus strand), LOC130006618 (ATAC-STARR-seq lymphoblastoid active region 5417; plus strand). Cytogenetic location: 11q21.
Variant type: single nucleotide variant.
Coding change: c.4G>A on transcript NM_014679.5 (MANE Select); coding-DNA position 4, G replaced by A.
Protein change: p.Ala2Thr; replaces alanine 2 with threonine.
Molecular consequence: missense variant. On other transcripts: 5 prime UTR variant (2).
Genome position (GRCh38, 1-based): chr11:95,790,702, G>A. VCF-style: chr11-95790702-G-A. GRCh37 (hg19) VCF-style: chr11-95523866-G-A.
Other names: c.-68G>A (NM_001243776.2); c.4G>A, p.Ala2Thr (NM_001243777.2); c.-391G>A (NM_001363604.2); short protein forms A2T.
Identifiers: ClinVar variation 240921 (VCV000240921.9), dbSNP rs878854985, ClinGen allele CA10582954.

ClinVar aggregate classification (germline): Uncertain significance (1 of 4 stars; one submission).

Conditions:
Mosaic variegated aneuploidy syndrome 2 (MVA2). Identifiers: Orphanet 1052, MedGen C3279843, MONDO:0013582, OMIM 614114.

Submission:

Labcorp Genetics (formerly Invitae), Labcorp
Classification: Uncertain significance for Mosaic variegated aneuploidy syndrome 2. Last evaluated: 2025-10-27. Review status: criteria provided, single submitter. Criteria: Invitae Variant Classification Sherloc (09022015). Collection method: clinical testing. Allele origin: germline.
Comment: This sequence change replaces alanine, which is neutral and non-polar, with threonine, which is neutral and polar, at codon 2 of the CEP57 protein (p.Ala2Thr). This variant is not present in population databases (gnomAD no frequency). This variant has not been reported in the literature in individuals affected with CEP57-related conditions. ClinVar contains an entry for this variant (Variation ID: 240921). Experimental studies and prediction algorithms are not available or were not evaluated, and the functional significance of this variant is currently unknown. In summary, the available evidence is currently insufficient to determine the role of this variant in disease. Therefore, it has been classified as a Variant of Uncertain Significance.